The following is an entry in ClinVar:

ClinVar aggregate classification (germline): Uncertain significance (1 of 4 stars; one submission).

Conditions:
Primary familial hypertrophic cardiomyopathy (HCM). Identifiers: Orphanet 99739, MedGen C0949658, MeSH D024741, MONDO:0024573. Inheritance: Various modes of inheritance.
Dilated cardiomyopathy 1AA (CMD1AA). Also called: CARDIOMYOPATHY, DILATED, 1AA, WITH OR WITHOUT LEFT VENTRICULAR NONCOMPACTION; CARDIOMYOPATHY, FAMILIAL HYPERTROPHIC, 23, WITH OR WITHOUT LEFT VENTRICULAR NONCOMPACTION; Cardiomyopathy, dilated, 1AA, with or without LVNC. Identifiers: Orphanet 154, MedGen C2677338, MONDO:0012808, OMIM 612158.

Submission:

Labcorp Genetics (formerly Invitae), Labcorp
Classification: Uncertain significance for Primary familial hypertrophic cardiomyopathy; Dilated cardiomyopathy 1AA. Last evaluated: 2024-03-13. Review status: criteria provided, single submitter. Criteria: Invitae Variant Classification Sherloc (09022015). Collection method: clinical testing. Allele origin: germline.
Comment: This sequence change falls in intron 10 of the ACTN2 gene. It does not directly change the encoded amino acid sequence of the ACTN2 protein. This variant is not present in population databases (gnomAD no frequency). This variant has not been reported in the literature in individuals affected with ACTN2-related conditions. Algorithms developed to predict the effect of sequence changes on RNA splicing suggest that this variant may disrupt the consensus splice site. In summary, the available evidence is currently insufficient to determine the role of this variant in disease. Therefore, it has been classified as a Variant of Uncertain Significance.

NM_001103.4(ACTN2):c.1108-9C>G

Gene: ACTN2 (actinin alpha 2; plus strand). Cytogenetic location: 1q43.
Variant type: single nucleotide variant.
Coding change: c.1108-9C>G on transcript NM_001103.4 (MANE Select); 9 bases into the intron before coding-DNA position 1108, C replaced by G.
Molecular consequence: intron variant.
Genome position (GRCh38, 1-based): chr1:236,742,887, C>G. VCF-style: chr1-236742887-C-G. GRCh37 (hg19) VCF-style: chr1-236906187-C-G.
Other names: c.1108-9C>G (NM_001278343.2).
Identifiers: ClinVar variation 3755157 (VCV003755157.2).